The following is an entry in ClinVar:

ClinVar aggregate classification (germline): Benign (0 of 4 stars; one submission).

Conditions:
TP53I3-related disorder. Also called: TP53I3-related condition.

Allele frequency attached by ClinVar (database versions not stated): gnomAD 0.11719; ESP Exome Variant Server 0.11802; gnomAD exomes 0.13771; 1000 Genomes Project 30x 0.09463; TOPMed 0.10255; ExAC 0.12444; 1000 Genomes Project 0.09405.
gnomAD v4.1: 218,452 of 1,613,872 alleles (14%); highest among the groups gnomAD compares: South Asian, 17%; 15,905 homozygotes.

Submission:

PreventionGenetics, part of Exact Sciences
Classification: Benign for TP53I3-related condition. Last evaluated: 2019-10-30. Review status: no assertion criteria provided. Collection method: clinical testing. Allele origin: germline.
Comment: This variant is classified as benign based on ACMG/AMP sequence variant interpretation guidelines (Richards et al. 2015 PMID: 25741868, with internal and published modifications).

NM_004881.5(TP53I3):c.885A>G (p.Gln295=)

Genes: FAM228B (family with sequence similarity 228 member B; plus strand), TP53I3 (tumor protein p53 inducible protein 3; minus strand). Cytogenetic location: 2p23.3.
Variant type: single nucleotide variant.
Coding change: c.885A>G on transcript NM_004881.5 (MANE Select); coding-DNA position 885, A replaced by G.
Protein change: p.Gln295=; no amino-acid change (glutamine 295 retained).
Molecular consequence: synonymous variant. On other transcripts: missense variant (1), intron variant (1).
Genome position (GRCh38, 1-based): chr2:24,077,693, T>C on the plus strand (A>G on the coding strand, the complement: TP53I3 is on the minus strand). VCF-style: chr2-24077693-T-C. GRCh37 (hg19) VCF-style: chr2-24300563-T-C.
Other names: c.688A>G, p.Thr230Ala (NM_001206802.2); c.885A>G, p.Gln295= (NM_147184.4); c.-290+724T>C (NM_001291328.2); short protein forms T230A.
Identifiers: ClinVar variation 3060882 (VCV003060882.2), dbSNP rs10209238, ClinGen allele CA1549516.